The following is an entry in ClinVar:

ClinVar aggregate classification (germline): Benign/Likely benign. Review status: criteria provided, multiple submitters, no conflicts (2 of 4 stars). 3 submissions from 3 submitters: Benign (1); Likely benign (2). Last evaluated 2024-04-12.

Conditions:
Hereditary cancer-predisposing syndrome. Also called: Neoplastic Syndromes, Hereditary; Tumor predisposition; Hereditary Cancer Syndrome; Hereditary neoplastic syndrome. Identifiers: Orphanet 140162, MedGen C0027672, MeSH D009386, MONDO:0015356.
Familial adenomatous polyposis 1 (FAP1). Also called: FAMILIAL ADENOMATOUS POLYPOSIS 1, ATTENUATED; POLYPOSIS, ADENOMATOUS INTESTINAL. Identifiers: MedGen C2713442, MONDO:0021056, OMIM 175100. Disease mechanism: loss of function.

Allele frequency attached by ClinVar (database versions not stated): gnomAD exomes below 0.00001.
gnomAD v4.1: 2 of 1,614,078 alleles (0.00012%); highest among the groups gnomAD compares: Non-Finnish European, 0.00017%; no homozygotes.

Submissions (3):

Myriad Genetics, Inc.
Classification: Benign for Familial adenomatous polyposis 1. Last evaluated: 2024-04-12. Review status: criteria provided, single submitter. Criteria: Myriad Autosomal Dominant, Autosomal Recessive and X-Linked Classification Criteria (2023). Collection method: clinical testing. Allele origin: unknown.
Comment: This variant is considered benign. This variant is a silent/synonymous amino acid change and it is not expected to impact splicing.

Labcorp Genetics (formerly Invitae), Labcorp
Classification: Likely benign for Familial adenomatous polyposis 1. Last evaluated: 2023-11-21. Review status: criteria provided, single submitter. Criteria: Invitae Variant Classification Sherloc (09022015). Collection method: clinical testing. Allele origin: germline.

Ambry Genetics
Classification: Likely benign for Hereditary cancer-predisposing syndrome. Last evaluated: 2022-01-22. Review status: criteria provided, single submitter. Criteria: Ambry Variant Classification Scheme 2023. Collection method: clinical testing. Allele origin: germline.

NM_000038.6(APC):c.8091A>G (p.Ser2697=)

Gene: APC (APC regulator of Wnt signaling pathway; plus strand). Cytogenetic location: 5q22.2.
Variant type: single nucleotide variant.
Coding change: c.8091A>G on transcript NM_000038.6 (MANE Select); coding-DNA position 8091, A replaced by G.
Protein change: p.Ser2697=; no amino-acid change (serine 2697 retained).
Molecular consequence: synonymous variant. On other transcripts: non-coding transcript variant (2).
Genome position (GRCh38, 1-based): chr5:112,843,685, A>G. VCF-style: chr5-112843685-A-G. GRCh37 (hg19) VCF-style: chr5-112179382-A-G.
Other names: c.8061A>G, p.Ser2687= (NM_001407452.1); c.7914A>G, p.Ser2638= (NM_001407453.1, NM_001354901.2); c.7842A>G, p.Ser2614= (NM_001407454.1, NM_001407455.1, NM_001407456.1 and 1 more transcripts); c.7788A>G, p.Ser2596= (NM_001407458.1, NM_001407459.1, NM_001407460.1 and 1 more transcripts); c.7704A>G, p.Ser2568= (NM_001407467.1, NM_001407469.1); c.7242A>G, p.Ser2414= (NM_001407470.1, NM_001354906.2); c.6939A>G, p.Ser2313= (NM_001407471.1, NM_001407472.1); c.8091A>G, p.Ser2697= (NM_001127510.3, NM_001354895.2, NM_001407450.1); and 11 more.
Identifiers: ClinVar variation 1761957 (VCV001761957.6), dbSNP rs2149999087, ClinGen allele CA446211065.